The following is an entry in ClinVar:

ClinVar aggregate classification (germline): Uncertain significance (1 of 4 stars; one submission).

Submission:

Labcorp Genetics (formerly Invitae), Labcorp
Classification: Uncertain significance. Last evaluated: 2025-03-17. Review status: criteria provided, single submitter. Criteria: Invitae Variant Classification Sherloc (09022015). Collection method: clinical testing. Allele origin: germline.
Comment: This sequence change replaces aspartic acid, which is acidic and polar, with glutamic acid, which is acidic and polar, at codon 277 of the GUF1 protein (p.Asp277Glu). This variant is not present in population databases (gnomAD no frequency). This variant has not been reported in the literature in individuals affected with GUF1-related conditions. Invitae Evidence Modeling of protein sequence and biophysical properties (such as structural, functional, and spatial information, amino acid conservation, physicochemical variation, residue mobility, and thermodynamic stability) indicates that this missense variant is not expected to disrupt GUF1 protein function with a negative predictive value of 80%. In summary, the available evidence is currently insufficient to determine the role of this variant in disease. Therefore, it has been classified as a Variant of Uncertain Significance.

NM_021927.3(GUF1):c.831C>A (p.Asp277Glu)

Gene: GUF1 (GTP binding elongation factor GUF1; plus strand). Cytogenetic location: 4p12.
Variant type: single nucleotide variant.
Coding change: c.831C>A on transcript NM_021927.3 (MANE Select); coding-DNA position 831, C replaced by A.
Protein change: p.Asp277Glu; replaces aspartic acid 277 with glutamic acid.
Molecular consequence: missense variant. On other transcripts: 5 prime UTR variant (2).
Genome position (GRCh38, 1-based): chr4:44,686,606, C>A. VCF-style: chr4-44686606-C-A. GRCh37 (hg19) VCF-style: chr4-44688623-C-A.
Other names: c.-142C>A (NM_001345867.2, NM_001345869.2); c.831C>A, p.Asp277Glu (NM_001345868.2); short protein forms D277E.
Identifiers: ClinVar variation 3649448 (VCV003649448.2).
Genomic context (GRCh38, chr4:44,686,606, plus strand): 5'-GGTATTTGACTCCACCTTTGACCAGTATAGAGGTGTGATAGCCAATGTAGCATTATTTGA[C>A]GGAGTGGTTTCCAAAGGAGATAAAATTGTATCTGCACATACTCAAAAGACATACGAAGTT-3'
Protein context (NP_068746.2, residues 267-287): RGVIANVALF[Asp277Glu]GVVSKGDKIV